The following is an entry in ClinVar:

NM_000057.4(BLM):c.2091G>T (p.Leu697Phe)

Gene: BLM (BLM RecQ like helicase; plus strand). Cytogenetic location: 15q26.1.
Variant type: single nucleotide variant.
Coding change: c.2091G>T on transcript NM_000057.4 (MANE Select); coding-DNA position 2091, G replaced by T.
Protein change: p.Leu697Phe; replaces leucine 697 with phenylalanine.
Molecular consequence: missense variant.
Genome position (GRCh38, 1-based): chr15:90,765,312, G>T. VCF-style: chr15-90765312-G-T. GRCh37 (hg19) VCF-style: chr15-91308542-G-T.
Other names: c.2091G>T, p.Leu697Phe (NM_001287246.2, NM_001287247.2); c.966G>T, p.Leu322Phe (NM_001287248.2); short protein forms L697F, L322F.
Identifiers: ClinVar variation 4211814 (VCV004211814.1).
Genomic context (GRCh38, chr15:90,765,312, plus strand): 5'-TGAAGACAGAACCTGACAGATATTTTTTCATTGTTCTCTTTCAGGAGGTGGTAAGAGTTT[G>T]TGTTACCAGCTCCCTGCCTGTGTTTCTCCTGGGGTCACTGTTGTCATTTCTCCCTTGAGA-3'
Protein context (NP_000048.1, residues 687-707): ILMPTGGGKS[Leu697Phe]CYQLPACVSP

ClinVar aggregate classification (germline): Uncertain significance (1 of 4 stars; one submission).

Conditions:
Hereditary cancer-predisposing syndrome. Also called: Neoplastic Syndromes, Hereditary; Tumor predisposition; Hereditary Cancer Syndrome; Hereditary neoplastic syndrome. Identifiers: Orphanet 140162, MedGen C0027672, MeSH D009386, MONDO:0015356.

Submission:

Ambry Genetics
Classification: Uncertain significance for Hereditary cancer-predisposing syndrome. Last evaluated: 2025-07-19. Review status: criteria provided, single submitter. Criteria: Ambry Variant Classification Scheme 2023. Collection method: clinical testing. Allele origin: germline.
Comment: The p.L697F variant (also known as c.2091G>T), located in coding exon 8 of the BLM gene, results from a G to T substitution at nucleotide position 2091. The leucine at codon 697 is replaced by phenylalanine, an amino acid with highly similar properties. This amino acid position is conserved. In addition, this alteration is predicted to be deleterious by in silico analysis. Based on the available evidence, the clinical significance of this variant remains unclear.